The following is an entry in ClinVar:

ClinVar aggregate classification (germline): Benign. Review status: criteria provided, multiple submitters, no conflicts (2 of 4 stars). 2 submissions from 2 submitters: Benign (2). Last evaluated 2018-01-12.

Conditions:
Immunodeficiency 104. Also called: IMMUNODEFICIENCY 104, SEVERE COMBINED; Severe combined immunodeficiency, autosomal recessive, T cell-negative, B cell-positive, NK cell-positive; SCID, AUTOSOMAL RECESSIVE, T CELL-NEGATIVE, B CELL-POSITIVE, NK CELL-POSITIVE; Severe Combined Immune Deficiency, Autosomal Recessive, TCell -Negative, B Cell-Positive, NK Cell-Positive, IL7R-Related. Identifiers: MedGen C5676890, MONDO:0012163, OMIM 608971.

Allele frequency attached by ClinVar (database versions not stated): gnomAD exomes 0.24825; 1000 Genomes Project 30x 0.22845; 1000 Genomes Project 0.22923; TOPMed 0.23200; gnomAD 0.24557 and 0.24668.
gnomAD v4.1: 57,290 of 232,480 alleles (25%); highest among the groups gnomAD compares: Non-Finnish European, 26%; 7,325 homozygotes.

Submissions (2):

Illumina Laboratory Services, Illumina
Classification: Benign for Immunodeficiency 104. Last evaluated: 2018-01-12. Review status: criteria provided, single submitter. Criteria: ICSL Variant Classification Criteria 13 December 2019. Collection method: clinical testing. Allele origin: germline.
Comment: This variant was observed in the ICSL laboratory as part of a predisposition screen in an ostensibly healthy population. It had not been previously curated by ICSL or reported in the Human Gene Mutation Database (HGMD: prior to June 1st, 2018), and was therefore a candidate for classification through an automated scoring system. Utilizing variant allele frequency, disease prevalence and penetrance estimates, and inheritance mode, an automated score was calculated to assess if this variant is too frequent to cause the disease. Based on the score and internal cut-off values, a variant classified as benign is not then subjected to further curation. The score for this variant resulted in a classification of benign for this disease.

Breakthrough Genomics
Classification: Benign. Review status: criteria provided, single submitter. Criteria: ACMG Guidelines, 2015. Collection method: not provided. Allele origin: germline. Inheritance: Autosomal recessive inheritance. Affected: yes.

NM_002185.5(IL7R):c.*2507C>T

Gene: IL7R (interleukin 7 receptor; plus strand). Cytogenetic location: 5p13.2.
Variant type: single nucleotide variant.
Coding change: c.*2507C>T on transcript NM_002185.5 (MANE Select); 2507 bases downstream of the stop codon, C replaced by T.
Molecular consequence: 3 prime UTR variant. On other transcripts: non-coding transcript variant (1).
Genome position (GRCh38, 1-based): chr5:35,878,993, C>T. VCF-style: chr5-35878993-C-T. GRCh37 (hg19) VCF-style: chr5-35879095-C-T.
Identifiers: ClinVar variation 906316 (VCV000906316.5), dbSNP rs6881270, ClinGen allele CA15373179.